The following is an entry in ClinVar:

ClinVar aggregate classification (germline): Uncertain significance (1 of 4 stars; one submission).

Submission:

Labcorp Genetics (formerly Invitae), Labcorp
Classification: Uncertain significance. Last evaluated: 2023-08-14. Review status: criteria provided, single submitter. Criteria: Invitae Variant Classification Sherloc (09022015). Collection method: clinical testing. Allele origin: germline.
Comment: In summary, the available evidence is currently insufficient to determine the role of this variant in disease. Therefore, it has been classified as a Variant of Uncertain Significance. An algorithm developed to predict the effect of missense changes on protein structure and function (PolyPhen-2) suggests that this variant is likely to be disruptive. This variant has not been reported in the literature in individuals affected with SON-related conditions. This variant is not present in population databases (gnomAD no frequency). This sequence change replaces valine, which is neutral and non-polar, with leucine, which is neutral and non-polar, at codon 1407 of the SON protein (p.Val1407Leu).

NM_138927.4(SON):c.4219G>T (p.Val1407Leu)

Gene: SON (SON DNA and RNA binding protein; plus strand). Cytogenetic location: 21q22.11.
Variant type: single nucleotide variant.
Coding change: c.4219G>T on transcript NM_138927.4 (MANE Select); coding-DNA position 4219, G replaced by T.
Protein change: p.Val1407Leu; replaces valine 1407 with leucine.
Molecular consequence: missense variant. On other transcripts: non-coding transcript variant (1), intron variant (1).
Genome position (GRCh38, 1-based): chr21:33,553,450, G>T. VCF-style: chr21-33553450-G-T. GRCh37 (hg19) VCF-style: chr21-34925756-G-T.
Other names: c.4219G>T, p.Val1407Leu (NM_001291411.2, NM_001412133.1, NM_032195.3 and 2 more transcripts); c.245-3706G>T (NM_001291412.3); short protein forms V1407L.
Identifiers: ClinVar variation 2752405 (VCV002752405.3), dbSNP rs373616331, ClinGen allele CA410162181.